The following is an entry in ClinVar:

NM_000127.3(EXT1):c.1431C>T (p.Pro477=)

Gene: EXT1 (exostosin glycosyltransferase 1; minus strand). Cytogenetic location: 8q24.11.
Variant type: single nucleotide variant.
Coding change: c.1431C>T on transcript NM_000127.3 (MANE Select); coding-DNA position 1431, C replaced by T.
Protein change: p.Pro477=; no amino-acid change (proline 477 retained).
Molecular consequence: synonymous variant.
Genome position (GRCh38, 1-based): chr8:117,819,781, G>A on the plus strand (C>T on the coding strand, the complement: EXT1 is on the minus strand). VCF-style: chr8-117819781-G-A. GRCh37 (hg19) VCF-style: chr8-118832020-G-A.
Other names: p.Pro477=.
Identifiers: ClinVar variation 255172 (VCV000255172.20), dbSNP rs17439693, ClinGen allele CA4854139.

ClinVar aggregate classification (germline): Benign. Review status: criteria provided, multiple submitters, no conflicts (2 of 4 stars). 8 submissions from 8 submitters: Benign (8). Last evaluated 2026-02-04.

Conditions:
Exostoses, multiple, type 1 (EXT1). Also called: Hereditary Multiple Osteochondromatosis, Type I; EXOSTOSES, MULTIPLE, TYPE I. Identifiers: MedGen CN263289, MONDO:0007585, OMIM 133700.
Multiple congenital exostosis (EXT). Also called: Hereditary multiple exostoses; Hereditary multiple exostosis; Multiple exostoses; MULTIPLE CARTILAGINOUS EXOSTOSES; Hereditary multiple osteochondromas; Multiple osteochondromas. Identifiers: Orphanet 321, MedGen C0015306, MONDO:0005508, HP:0002762.

Allele frequency attached by ClinVar (database versions not stated): 1000 Genomes Project 0.12021; 1000 Genomes Project 30x 0.12024; TOPMed 0.16153; ESP Exome Variant Server 0.16431; gnomAD 0.17227 and 0.17547; ExAC 0.17460; gnomAD exomes 0.17682 and 0.19032.
gnomAD v4.1: 303,597 of 1,611,950 alleles (19%); highest among the groups gnomAD compares: Non-Finnish European, 20%; 30,396 homozygotes.

Submissions (8):

Labcorp Genetics (formerly Invitae), Labcorp
Classification: Benign for Multiple congenital exostosis. Last evaluated: 2026-02-04. Review status: criteria provided, single submitter. Criteria: Invitae Variant Classification Sherloc (09022015). Collection method: clinical testing. Allele origin: germline.

Blueprint Genetics
Classification: Benign. Last evaluated: 2024-11-27. Review status: criteria provided, single submitter. Criteria: ACMG Guidelines, 2015. Collection method: clinical testing. Allele origin: germline.

KCCC/NGS Laboratory, Kuwait Cancer Control Center
Classification: Benign for Exostoses, multiple, type 1. Last evaluated: 2023-07-07. Review status: criteria provided, single submitter. Criteria: ACMG Guidelines, 2015. Collection method: clinical testing. Allele origin: germline. Affected: yes.

Mayo Clinic Laboratories, Mayo Clinic
Classification: Benign. Last evaluated: 2022-03-03. Review status: criteria provided, single submitter. Criteria: ACMG Guidelines, 2015. Collection method: clinical testing. Allele origin: germline. Observed: 113 variant alleles.

Illumina Laboratory Services, Illumina
Classification: Benign for Exostoses, multiple, type 1. Last evaluated: 2018-01-12. Review status: criteria provided, single submitter. Criteria: ICSL Variant Classification Criteria 13 December 2019. Collection method: clinical testing. Allele origin: germline.
Comment: This variant was observed in the ICSL laboratory as part of a predisposition screen in an ostensibly healthy population. It had not been previously curated by ICSL or reported in the Human Gene Mutation Database (HGMD: prior to June 1st, 2018), and was therefore a candidate for classification through an automated scoring system. Utilizing variant allele frequency, disease prevalence and penetrance estimates, and inheritance mode, an automated score was calculated to assess if this variant is too frequent to cause the disease. Based on the score and internal cut-off values, a variant classified as benign is not then subjected to further curation. The score for this variant resulted in a classification of benign for this disease.

GeneDx
Classification: Benign. Last evaluated: 2015-03-03. Review status: criteria provided, single submitter. Criteria: GeneDx Variant Classification Process June 2021. Collection method: clinical testing. Allele origin: germline. Affected: yes.

Breakthrough Genomics
Classification: Benign. Review status: criteria provided, single submitter. Criteria: ACMG Guidelines, 2015. Collection method: not provided. Allele origin: germline. Inheritance: Autosomal dominant inheritance. Affected: yes.

PreventionGenetics, part of Exact Sciences
Classification: Benign. Review status: criteria provided, single submitter. Criteria: ACMG Guidelines, 2015. Collection method: clinical testing. Allele origin: germline.